The following is an entry in ClinVar:

NM_033310.3(KCNK4):c.73C>G (p.Arg25Gly)

Genes: KCNK4 (potassium two pore domain channel subfamily K member 4; plus strand), KCNK4-CATSPERZ (KCNK4-CATSPERZ readthrough (NMD candidate); plus strand). Cytogenetic location: 11q13.1.
Variant type: single nucleotide variant.
Coding change: c.73C>G on transcript NM_033310.3 (MANE Select); coding-DNA position 73, C replaced by G.
Protein change: p.Arg25Gly; replaces arginine 25 with glycine.
Molecular consequence: missense variant. On other transcripts: non-coding transcript variant (2).
Genome position (GRCh38, 1-based): chr11:64,293,091, C>G. VCF-style: chr11-64293091-C-G. GRCh37 (hg19) VCF-style: chr11-64060563-C-G.
Other names: c.73C>G, p.Arg25Gly (NM_001317090.2, NM_033311.1); short protein forms R25G.
Identifiers: ClinVar variation 2753688 (VCV002753688.3), dbSNP rs2135225544, ClinGen allele CA381158260.

ClinVar aggregate classification (germline): Uncertain significance (1 of 4 stars; one submission).

Submission:

Labcorp Genetics (formerly Invitae), Labcorp
Classification: Uncertain significance. Last evaluated: 2023-08-18. Review status: criteria provided, single submitter. Criteria: Invitae Variant Classification Sherloc (09022015). Collection method: clinical testing. Allele origin: germline.
Comment: This sequence change replaces arginine, which is basic and polar, with glycine, which is neutral and non-polar, at codon 25 of the KCNK4 protein (p.Arg25Gly). In summary, the available evidence is currently insufficient to determine the role of this variant in disease. Therefore, it has been classified as a Variant of Uncertain Significance. An algorithm developed to predict the effect of missense changes on protein structure and function (PolyPhen-2) suggests that this variant is likely to be tolerated. This variant has not been reported in the literature in individuals affected with KCNK4-related conditions. This variant is not present in population databases (gnomAD no frequency).